The following is an entry in ClinVar:

ClinVar aggregate classification (germline): Uncertain significance (1 of 4 stars; one submission).

Submission:

Ambry Genetics
Classification: Uncertain significance. Last evaluated: 2022-06-24. Review status: criteria provided, single submitter. Criteria: Ambry Variant Classification Scheme 2023. Collection method: clinical testing. Allele origin: germline.
Comment: The p.R2734S variant (also known as c.8202G>C), located in coding exon 60 of the PRKDC gene, results from a G to C substitution at nucleotide position 8202. The arginine at codon 2734 is replaced by serine, an amino acid with dissimilar properties. This amino acid position is conserved. In addition, the in silico prediction for this alteration is inconclusive. Since supporting evidence is limited at this time, the clinical significance of this alteration remains unclear.

NM_006904.7(PRKDC):c.8202G>C (p.Arg2734Ser)

Gene: PRKDC (protein kinase, DNA-activated, catalytic subunit; minus strand). Cytogenetic location: 8q11.21.
Variant type: single nucleotide variant.
Coding change: c.8202G>C on transcript NM_006904.7 (MANE Select); coding-DNA position 8202, G replaced by C.
Protein change: p.Arg2734Ser; replaces arginine 2734 with serine.
Molecular consequence: missense variant.
Genome position (GRCh38, 1-based): chr8:47,831,877, C>G on the plus strand (G>C on the coding strand, the complement: PRKDC is on the minus strand). VCF-style: chr8-47831877-C-G. GRCh37 (hg19) VCF-style: chr8-48744438-C-G.
Other names: c.8202G>C, p.Arg2734Ser (NM_001081640.2); short protein forms R2734S.
Identifiers: ClinVar variation 1762448 (VCV001762448.2), dbSNP rs2551866810, ClinGen allele CA371147718.